The following is an entry in ClinVar:

ClinVar aggregate classification (germline): Uncertain significance. Review status: criteria provided, multiple submitters, no conflicts (2 of 4 stars). 2 submissions from 2 submitters: Uncertain significance (2). Last evaluated 2025-10-13.

Conditions:
Inborn genetic diseases. Identifiers: MedGen C0950123, MeSH D030342.

Submissions (2):

Labcorp Genetics (formerly Invitae), Labcorp
Classification: Uncertain significance. Last evaluated: 2025-10-13. Review status: criteria provided, single submitter. Criteria: Invitae Variant Classification Sherloc (09022015). Collection method: clinical testing. Allele origin: germline.
Comment: This sequence change replaces proline, which is neutral and non-polar, with serine, which is neutral and polar, at codon 273 of the ADNP protein (p.Pro273Ser). This variant is not present in population databases (gnomAD no frequency). This variant has not been reported in the literature in individuals affected with ADNP-related conditions. ClinVar contains an entry for this variant (Variation ID: 3838537). An algorithm developed to predict the effect of missense changes on protein structure and function (PolyPhen-2) suggests that this variant is likely to be tolerated. In summary, the available evidence is currently insufficient to determine the role of this variant in disease. Therefore, it has been classified as a Variant of Uncertain Significance.

Ambry Genetics
Classification: Uncertain significance for Inborn genetic diseases. Last evaluated: 2025-01-24. Review status: criteria provided, single submitter. Criteria: Ambry Variant Classification Scheme 2023. Collection method: clinical testing. Allele origin: germline.

NM_001282531.3(ADNP):c.817C>T (p.Pro273Ser)

Gene: ADNP (activity dependent neuroprotector homeobox; minus strand). Cytogenetic location: 20q13.13.
Variant type: single nucleotide variant.
Coding change: c.817C>T on transcript NM_001282531.3 (MANE Select); coding-DNA position 817, C replaced by T.
Protein change: p.Pro273Ser; replaces proline 273 with serine.
Molecular consequence: missense variant.
Genome position (GRCh38, 1-based): chr20:50,893,897, G>A on the plus strand (C>T on the coding strand, the complement: ADNP is on the minus strand). VCF-style: chr20-50893897-G-A. GRCh37 (hg19) VCF-style: chr20-49510434-G-A.
Other names: c.817C>T, p.Pro273Ser (NM_015339.5, NM_181442.4, NM_001282532.2 and 1 more transcripts); short protein forms P273S.
Identifiers: ClinVar variation 3838537 (VCV003838537.2).
Genomic context (GRCh38, chr20:50,893,897, plus strand): 5'-CAGAAGCAAGGGAACCGATCCTTGGTGGGAGTCCCATGCTCTTCTTGTCTTGAGGTTTGG[G>A]AGCAATTAGCATCAAGGGTTTGGATCGGGGAACCACTACATTTGTGTGCCCAATCATGGC-3'
Protein context (NP_001269460.1, residues 263-283): PRSKPLMLIA[Pro273Ser]KPQDKKSMGL